The following is an entry in ClinVar:

ClinVar aggregate classification (germline): Pathogenic (1 of 4 stars; one submission).

Submission:

Labcorp Genetics (formerly Invitae), Labcorp
Classification: Pathogenic. Last evaluated: 2025-05-12. Review status: criteria provided, single submitter. Criteria: Invitae Variant Classification Sherloc (09022015). Collection method: clinical testing. Allele origin: germline.
Comment: This sequence change creates a premature translational stop signal (p.Glu136*) in the SLITRK6 gene. While this is not anticipated to result in nonsense mediated decay, it is expected to disrupt the last 706 amino acid(s) of the SLITRK6 protein. This variant is not present in population databases (gnomAD no frequency). This variant has not been reported in the literature in individuals affected with SLITRK6-related conditions. ClinVar contains an entry for this variant (Variation ID: 2040835). This variant disrupts a region of the SLITRK6 protein in which other variant(s) (p.Gln414*) have been determined to be pathogenic (PMID: 23543054, 23946138). This suggests that this is a clinically significant region of the protein, and that variants that disrupt it are likely to be disease-causing. For these reasons, this variant has been classified as Pathogenic.

Literature cited by the submitters: PubMed 23543054; PubMed 23946138.

NM_032229.3(SLITRK6):c.406G>T (p.Glu136Ter)

Gene: SLITRK6 (SLIT and NTRK like family member 6; minus strand). Cytogenetic location: 13q31.1.
Variant type: single nucleotide variant.
Coding change: c.406G>T on transcript NM_032229.3 (MANE Select); coding-DNA position 406, G replaced by T.
Protein change: p.Glu136Ter; replaces glutamic acid 136 with a stop codon.
Molecular consequence: nonsense.
Genome position (GRCh38, 1-based): chr13:85,796,103, C>A on the plus strand (G>T on the coding strand, the complement: SLITRK6 is on the minus strand). VCF-style: chr13-85796103-C-A. GRCh37 (hg19) VCF-style: chr13-86370238-C-A.
Other names: short protein forms E136*.
Identifiers: ClinVar variation 2040835 (VCV002040835.4), dbSNP rs1874712158, ClinGen allele CA388380855.